The following is an entry in ClinVar:

NM_015443.4(KANSL1):c.2541G>C (p.Ser847=)

Gene: KANSL1 (KAT8 regulatory NSL complex subunit 1). Cytogenetic location: 17q21.31.
Variant type: single nucleotide variant.
Coding change: c.2541G>C on transcript NM_015443.4 (MANE Select); coding-DNA position 2541, G replaced by C.
Protein change: p.Ser847=; no amino-acid change (serine 847 retained).
Molecular consequence: synonymous variant.
Genome position (GRCh38, 1-based): chr17:46,038,538, C>G on the plus strand (G>C on the coding strand, the complement: KANSL1 is on the minus strand). VCF-style: chr17-46038538-C-G. GRCh37 (hg19) VCF-style: chr17-44115904-C-G.
Other names: c.2541G>C, p.Ser847= (NM_001193465.2, NM_001193466.2, NM_001379198.1 and 8 more transcripts); c.2439G>C, p.Ser813= (NM_001405859.1, NM_001405860.1, NM_001405861.1 and 1 more transcripts); c.2352G>C, p.Ser784= (NM_001405875.1, NM_001405876.1, NM_001405877.1 and 3 more transcripts); c.1275G>C, p.Ser425= (NM_001405882.1, NM_001405883.1); c.1086G>C, p.Ser362= (NM_001405884.1, NM_001405885.1).
Identifiers: ClinVar variation 2746310 (VCV002746310.3), dbSNP rs200079722, ClinGen allele CA500369718.
Genomic context (GRCh38, chr17:46,038,538, plus strand): 5'-CACTTGAGTGAGCTGTGACCTGCAGAGGGGGTGTCCGGCCAACCCCACACAGGTACTTAC[C>G]GATGTGCTGGCTGTAACCTGTGAGCTAGAGCTGGCGGGTGCAGGGGAATCTGAGGAGGTG-3'
Protein context (NP_056258.1, residues 837-857): SSSSQVTAST[Ser847=]QQPVRRRRGE

ClinVar aggregate classification (germline): Uncertain significance (1 of 4 stars; one submission).

Conditions:
Koolen-de Vries syndrome (KDVS). Identifiers: Orphanet 96169, MedGen C1864871, MONDO:0012496, OMIM 610443.

gnomAD v4.1: 1 of 1,613,846 alleles (0.000062%); highest among the groups gnomAD compares: Non-Finnish European, 0.000085%; no homozygotes.

Submission:

Labcorp Genetics (formerly Invitae), Labcorp
Classification: Uncertain significance for Koolen-de Vries syndrome. Last evaluated: 2023-07-25. Review status: criteria provided, single submitter. Criteria: Invitae Variant Classification Sherloc (09022015). Collection method: clinical testing. Allele origin: germline.
Comment: In summary, the available evidence is currently insufficient to determine the role of this variant in disease. Therefore, it has been classified as a Variant of Uncertain Significance. Variants that disrupt the consensus splice site are a relatively common cause of aberrant splicing (PMID: 17576681, 9536098). Algorithms developed to predict the effect of sequence changes on RNA splicing suggest that this variant is not likely to affect RNA splicing. This variant has not been reported in the literature in individuals affected with KANSL1-related conditions. This variant is not present in population databases (gnomAD no frequency). This sequence change affects codon 847 of the KANSL1 mRNA. It is a 'silent' change, meaning that it does not change the encoded amino acid sequence of the KANSL1 protein. This variant also falls at the last nucleotide of exon 10, which is part of the consensus splice site for this exon.

Literature cited by the submitters: PubMed 17576681; PubMed 9536098.